The following is an entry in ClinVar:

ClinVar aggregate classification (germline): Uncertain significance (1 of 4 stars; one submission).

Conditions:
Cardiovascular phenotype. Identifiers: MedGen CN230736.

gnomAD v4.1: 1 of 1,614,240 alleles (0.000062%); highest among the groups gnomAD compares: Non-Finnish European, 0.000085%; no homozygotes.

Submission:

Ambry Genetics
Classification: Uncertain significance for Cardiovascular phenotype. Last evaluated: 2025-02-20. Review status: criteria provided, single submitter. Criteria: Ambry Variant Classification Scheme 2023. Collection method: clinical testing. Allele origin: germline.
Comment: The p.L114P variant (also known as c.341T>C), located in coding exon 5 of the MYL2 gene, results from a T to C substitution at nucleotide position 341. The leucine at codon 114 is replaced by proline, an amino acid with similar properties. This amino acid position is conserved. In addition, this alteration is predicted to be deleterious by in silico analysis. Based on the available evidence, the clinical significance of this variant remains unclear.

NM_000432.4(MYL2):c.341T>C (p.Leu114Pro)

Gene: MYL2 (myosin light chain 2; minus strand). Cytogenetic location: 12q24.11.
Variant type: single nucleotide variant.
Coding change: c.341T>C on transcript NM_000432.4 (MANE Select); coding-DNA position 341, T replaced by C.
Protein change: p.Leu114Pro; replaces leucine 114 with proline.
Molecular consequence: missense variant.
Genome position (GRCh38, 1-based): chr12:110,913,258, A>G on the plus strand (T>C on the coding strand, the complement: MYL2 is on the minus strand). VCF-style: chr12-110913258-A-G. GRCh37 (hg19) VCF-style: chr12-111351062-A-G.
Other names: c.299T>C, p.Leu100Pro (NM_001406745.1); c.284T>C, p.Leu95Pro (NM_001406916.1); short protein forms L114P, L100P, L95P.
Identifiers: ClinVar variation 3876553 (VCV003876553.1).
Genomic context (GRCh38, chr12:110,913,258, plus strand): 5'-CAGGGGGCAAGCAGGGAACCCCCTTCCTCCCCCACAGACCCCACTCACTAATCAGCCTTC[A>G]GCACCCCTTTGCCTTCAGGGTCAAACACTTTGAATGCGTTGAGAATGGTTTCCTCAGGGT-3'
Protein context (NP_000423.2, residues 104-124): KVFDPEGKGV[Leu114Pro]KADYVREMLT